The following is an entry in ClinVar:

NM_177438.3(DICER1):c.4840C>A (p.Gln1614Lys)

Gene: DICER1 (dicer 1, ribonuclease III; minus strand). Cytogenetic location: 14q32.13.
Variant type: single nucleotide variant.
Coding change: c.4840C>A on transcript NM_177438.3 (MANE Select); coding-DNA position 4840, C replaced by A.
Protein change: p.Gln1614Lys; replaces glutamine 1614 with lysine.
Molecular consequence: missense variant. On other transcripts: non-coding transcript variant (6).
Genome position (GRCh38, 1-based): chr14:95,096,080, G>T on the plus strand (C>A on the coding strand, the complement: DICER1 is on the minus strand). VCF-style: chr14-95096080-G-T. GRCh37 (hg19) VCF-style: chr14-95562417-G-T.
Other names: c.3157C>A, p.Gln1053Lys (NM_001395697.1); c.4840C>A, p.Gln1614Lys (NM_001395694.1, NM_001395695.1, NM_030621.4 and 12 more transcripts); c.4435C>A, p.Gln1479Lys (NM_001395696.1, NM_001395687.1, NM_001395688.1 and 2 more transcripts); c.4558C>A, p.Gln1520Lys (NM_001395686.1); c.4273C>A, p.Gln1425Lys (NM_001395691.1); short protein forms Q1425K, Q1614K, Q1520K, Q1053K, Q1479K.
Identifiers: ClinVar variation 3840058 (VCV003840058.1).

ClinVar aggregate classification (germline): Uncertain significance (1 of 4 stars; one submission).

Conditions:
Hereditary cancer-predisposing syndrome. Also called: Hereditary neoplastic syndrome; Neoplastic Syndromes, Hereditary; Tumor predisposition; Hereditary Cancer Syndrome. Identifiers: Orphanet 140162, MedGen C0027672, MeSH D009386, MONDO:0015356.

Submission:

Ambry Genetics
Classification: Uncertain significance for Hereditary cancer-predisposing syndrome. Last evaluated: 2025-03-07. Review status: criteria provided, single submitter. Criteria: Ambry Variant Classification Scheme 2023. Collection method: clinical testing. Allele origin: germline.
Comment: The p.Q1614K variant (also known as c.4840C>A), located in coding exon 22 of the DICER1 gene, results from a C to A substitution at nucleotide position 4840. The glutamine at codon 1614 is replaced by lysine, an amino acid with similar properties. This amino acid position is conserved. In addition, this alteration is predicted to be tolerated by in silico analysis. Based on the available evidence, the clinical significance of this variant remains unclear.